The following is an entry in ClinVar:

ClinVar aggregate classification (germline): Uncertain significance (1 of 4 stars; one submission).

gnomAD v4.1: 83 of 1,594,668 alleles (0.0052%); highest among the groups gnomAD compares: Non-Finnish European, 0.0059%; no homozygotes.

Submission:

Labcorp Genetics (formerly Invitae), Labcorp
Classification: Uncertain significance. Last evaluated: 2026-01-21. Review status: criteria provided, single submitter. Criteria: Invitae Variant Classification Sherloc (09022015). Collection method: clinical testing. Allele origin: germline.
Comment: This sequence change replaces methionine, which is neutral and non-polar, with isoleucine, which is neutral and non-polar, at codon 279 of the ENPP1 protein (p.Met279Ile). This variant is present in population databases (rs148158883, gnomAD 0.006%). This variant has not been reported in the literature in individuals affected with ENPP1-related conditions. ClinVar contains an entry for this variant (Variation ID: 3611263). Invitae Evidence Modeling of protein sequence and biophysical properties (such as structural, functional, and spatial information, amino acid conservation, physicochemical variation, residue mobility, and thermodynamic stability) indicates that this missense variant is not expected to disrupt ENPP1 protein function with a negative predictive value of 80%. In summary, the available evidence is currently insufficient to determine the role of this variant in disease. Therefore, it has been classified as a Variant of Uncertain Significance.

NM_006208.3(ENPP1):c.837G>A (p.Met279Ile)

Gene: ENPP1 (ectonucleotide pyrophosphatase/phosphodiesterase 1; plus strand). Cytogenetic location: 6q23.2.
Variant type: single nucleotide variant.
Coding change: c.837G>A on transcript NM_006208.3 (MANE Select); coding-DNA position 837, G replaced by A.
Protein change: p.Met279Ile; replaces methionine 279 with isoleucine.
Molecular consequence: missense variant.
Genome position (GRCh38, 1-based): chr6:131,860,428, G>A. VCF-style: chr6-131860428-G-A. GRCh37 (hg19) VCF-style: chr6-132181568-G-A.
Other names: short protein forms M279I.
Identifiers: ClinVar variation 3611263 (VCV003611263.2).